The following is an entry in ClinVar:

ClinVar aggregate classification (germline): Uncertain significance. Review status: criteria provided, multiple submitters, no conflicts (2 of 4 stars). 4 submissions from 4 submitters: Uncertain significance (3). 1 of the submissions does not count toward it. Last evaluated 2024-11-06.

Conditions:
Inborn genetic diseases. Identifiers: MedGen C0950123, MeSH D030342.
Polyglandular autoimmune syndrome, type 1 (APS1). Also called: HYPOADRENOCORTICISM WITH HYPOPARATHYROIDISM AND SUPERFICIAL MONILIASIS; PGA I; Autoimmune polyendocrinopathy syndrome , type I, with or without reversible metaphyseal dysplasia; AUTOIMMUNE POLYENDOCRINE SYNDROME, TYPE I, WITH OR WITHOUT REVERSIBLE METAPHYSEAL DYSPLASIA; APS I; Autoimmune polyendocrine syndrome type 1. Identifiers: Orphanet 3453, MedGen C0085859, MONDO:0009411, OMIM 240300.

Allele frequency attached by ClinVar (database versions not stated): TOPMed 0.00006; gnomAD 0.00008 and 0.00009; ExAC 0.00015.
gnomAD v4.1: 34 of 1,557,662 alleles (0.0022%); highest among the groups gnomAD compares: East Asian, 0.031%; no homozygotes.

Submissions (4):

Labcorp Genetics (formerly Invitae), Labcorp
Classification: Uncertain significance for Polyglandular autoimmune syndrome, type 1. Last evaluated: 2024-11-06. Review status: criteria provided, single submitter. Criteria: Invitae Variant Classification Sherloc (09022015). Collection method: clinical testing. Allele origin: germline.
Comment: This sequence change replaces arginine, which is basic and polar, with cysteine, which is neutral and slightly polar, at codon 174 of the AIRE protein (p.Arg174Cys). The frequency data for this variant in the population databases is considered unreliable, as metrics indicate poor data quality at this position in the gnomAD database. This variant has not been reported in the literature in individuals affected with AIRE-related conditions. ClinVar contains an entry for this variant (Variation ID: 651745). Invitae Evidence Modeling of protein sequence and biophysical properties (such as structural, functional, and spatial information, amino acid conservation, physicochemical variation, residue mobility, and thermodynamic stability) indicates that this missense variant is not expected to disrupt AIRE protein function with a negative predictive value of 95%. In summary, the available evidence is currently insufficient to determine the role of this variant in disease. Therefore, it has been classified as a Variant of Uncertain Significance.

Ambry Genetics
Classification: Uncertain significance for Inborn genetic diseases. Last evaluated: 2024-10-19. Review status: criteria provided, single submitter. Criteria: Ambry Variant Classification Scheme 2023. Collection method: clinical testing. Allele origin: germline.

Breakthrough Genomics
Classification: Uncertain significance. Review status: criteria provided, single submitter. Criteria: ACMG Guidelines, 2015. Collection method: not provided. Allele origin: germline. Inheritance: Autosomal dominant inheritance. Affected: yes.

Natera, Inc.
Classification: Uncertain significance for Polyglandular autoimmune syndrome type 1. Last evaluated: 2020-04-20. Review status: no assertion criteria provided. Collection method: clinical testing. Allele origin: germline. Not counted in ClinVar's aggregate classification.

NM_000383.4(AIRE):c.520C>T (p.Arg174Cys)

Gene: AIRE (autoimmune regulator; plus strand). Cytogenetic location: 21q22.3.
Variant type: single nucleotide variant.
Coding change: c.520C>T on transcript NM_000383.4 (MANE Select); coding-DNA position 520, C replaced by T.
Protein change: p.Arg174Cys; replaces arginine 174 with cysteine.
Molecular consequence: missense variant.
Genome position (GRCh38, 1-based): chr21:44,287,573, C>T. VCF-style: chr21-44287573-C-T. GRCh37 (hg19) VCF-style: chr21-45707456-C-T.
Other names: c.520C>T (NM_000383.2); short protein forms R174C.
Identifiers: ClinVar variation 651745 (VCV000651745.6), dbSNP rs752687905, ClinGen allele CA10051592.
Genomic context (GRCh38, chr21:44,287,573, plus strand): 5'-TCAGGCTCTCAACTGAAGGCCAAGCCCCCCAAGAAGCCGGAGAGCAGCGCAGAGCAGCAG[C>T]GCCTTCCACTCGGGAACGGTGAGCGGGGCCCAGTGGGAGCGCCTCCCTTCTCCCTGGCCA-3'
Protein context (NP_000374.1, residues 164-184): KKPESSAEQQ[Arg174Cys]LPLGNGIQTM